The following is an entry in ClinVar:

NM_006767.4(LZTR1):c.1354-1G>A

Gene: LZTR1 (leucine zipper like post translational regulator 1; plus strand). Cytogenetic location: 22q11.21.
Variant type: single nucleotide variant.
Coding change: c.1354-1G>A on transcript NM_006767.4 (MANE Select); the canonical splice acceptor site of the intron before coding-DNA position 1354, G replaced by A.
Molecular consequence: splice acceptor variant.
Genome position (GRCh38, 1-based): chr22:20,993,923, G>A. VCF-style: chr22-20993923-G-A. GRCh37 (hg19) VCF-style: chr22-21348212-G-A.
Identifiers: ClinVar variation 3869329 (VCV003869329.1).

ClinVar aggregate classification (germline): Uncertain significance (1 of 4 stars; one submission).

Conditions:
Cardiovascular phenotype. Identifiers: MedGen CN230736.
Hereditary cancer-predisposing syndrome. Also called: Tumor predisposition; Neoplastic Syndromes, Hereditary; Hereditary Cancer Syndrome; Hereditary neoplastic syndrome. Identifiers: Orphanet 140162, MedGen C0027672, MeSH D009386, MONDO:0015356.

Submission:

Ambry Genetics
Classification: Uncertain significance for Cardiovascular phenotype; Hereditary cancer-predisposing syndrome. Last evaluated: 2025-02-28. Review status: criteria provided, single submitter. Criteria: Ambry Variant Classification Scheme 2023. Collection method: clinical testing. Allele origin: germline.
Comment: The c.1354-1G>A intronic variant results from a G to A substitution one nucleotide upstream from coding exon 13 of the LZTR1 gene. This nucleotide position is highly conserved in available vertebrate species. In silico splice site analysis predicts that this alteration will weaken the native splice acceptor site and may result in the creation or strengthening of a novel splice acceptor site. RNA studies have demonstrated that this alteration results in a transcript predicted to lead to a protein with an in-frame deletion of one amino acid; however, the exact functional impact of the deleted amino acid is unknown at this time (Ambry internal data). Based on the available evidence, the clinical significance of this variant remains unclear.